The following is an entry in ClinVar:

NM_032043.3(BRIP1):c.2851A>G (p.Ile951Val)

Gene: BRIP1 (BRCA1 interacting DNA helicase 1; minus strand). Cytogenetic location: 17q23.2.
Variant type: single nucleotide variant.
Coding change: c.2851A>G on transcript NM_032043.3 (MANE Select); coding-DNA position 2851, A replaced by G.
Protein change: p.Ile951Val; replaces isoleucine 951 with valine.
Molecular consequence: missense variant.
Genome position (GRCh38, 1-based): chr17:61,685,890, T>C on the plus strand (A>G on the coding strand, the complement: BRIP1 is on the minus strand). VCF-style: chr17-61685890-T-C. GRCh37 (hg19) VCF-style: chr17-59763251-T-C.
Other names: p.I951V:ATT>GTT; short protein forms I951V.
Identifiers: ClinVar variation 182335 (VCV000182335.23), dbSNP rs730881626, ClinGen allele CA298841.

ClinVar aggregate classification (germline): Uncertain significance. Review status: criteria provided, multiple submitters, no conflicts (2 of 4 stars). 5 submissions from 5 submitters: Uncertain significance (5). Last evaluated 2025-06-12.

Conditions:
Hereditary cancer-predisposing syndrome. Also called: Tumor predisposition; Hereditary Cancer Syndrome; Hereditary neoplastic syndrome; Neoplastic Syndromes, Hereditary. Identifiers: Orphanet 140162, MedGen C0027672, MeSH D009386, MONDO:0015356.
Familial cancer of breast. Also called: BREAST CANCER, FAMILIAL; hereditary breast carcinoma; Hereditary breast cancer. Identifiers: Orphanet 227535, MedGen C0346153, MONDO:0016419, OMIM 114480. Disease mechanism: loss of function.
Fanconi anemia complementation group J. Also called: BRIP1-Related Fanconi Anemia. Identifiers: Orphanet 84, MedGen C1836860, MONDO:0012187, OMIM 609054.

Allele frequency attached by ClinVar (database versions not stated): gnomAD exomes below 0.00001.
gnomAD v4.1: 1 of 1,613,882 alleles (0.000062%); highest among the groups gnomAD compares: Non-Finnish European, 0.000085%; no homozygotes.

Submissions (5):

Ambry Genetics
Classification: Uncertain significance for Hereditary cancer-predisposing syndrome. Last evaluated: 2025-06-12. Review status: criteria provided, single submitter. Criteria: Ambry Variant Classification Scheme 2023. Collection method: clinical testing. Allele origin: germline.
Comment: The p.I951V variant (also known as c.2851A>G), located in coding exon 18 of the BRIP1 gene, results from an A to G substitution at nucleotide position 2851. The isoleucine at codon 951 is replaced by valine, an amino acid with highly similar properties. This amino acid position is poorly conserved in available vertebrate species. In addition, this alteration is predicted to be tolerated by in silico analysis. Since supporting evidence is limited at this time, the clinical significance of this alteration remains unclear.

Color Diagnostics, LLC DBA Color Health
Classification: Uncertain significance for Hereditary cancer-predisposing syndrome. Last evaluated: 2023-12-05. Review status: criteria provided, single submitter. Criteria: ACMG Guidelines, 2015. Collection method: clinical testing. Allele origin: germline.
Comment: This missense variant replaces isoleucine with valine at codon 951 of the BRIP1 protein. Computational prediction suggests that this variant may not impact protein structure and function (internally defined REVEL score threshold <= 0.5, PMID: 27666373). To our knowledge, functional studies have not been reported for this variant. This variant has not been reported in individuals affected with BRIP1-related disorders in the literature. This variant has not been identified in the general population by the Genome Aggregation Database (gnomAD). The available evidence is insufficient to determine the role of this variant in disease conclusively. Therefore, this variant is classified as a Variant of Uncertain Significance.

Labcorp Genetics (formerly Invitae), Labcorp
Classification: Uncertain significance for Familial cancer of breast; Fanconi anemia complementation group J. Last evaluated: 2023-08-29. Review status: criteria provided, single submitter. Criteria: Invitae Variant Classification Sherloc (09022015). Collection method: clinical testing. Allele origin: germline.
Comment: In summary, the available evidence is currently insufficient to determine the role of this variant in disease. Therefore, it has been classified as a Variant of Uncertain Significance. Advanced modeling of protein sequence and biophysical properties (such as structural, functional, and spatial information, amino acid conservation, physicochemical variation, residue mobility, and thermodynamic stability) performed at Invitae indicates that this missense variant is not expected to disrupt BRIP1 protein function. ClinVar contains an entry for this variant (Variation ID: 182335). This variant has not been reported in the literature in individuals affected with BRIP1-related conditions. This variant is not present in population databases (gnomAD no frequency). This sequence change replaces isoleucine, which is neutral and non-polar, with valine, which is neutral and non-polar, at codon 951 of the BRIP1 protein (p.Ile951Val).

Quest Diagnostics Nichols Institute San Juan Capistrano
Classification: Uncertain significance. Last evaluated: 2018-11-02. Review status: criteria provided, single submitter. Criteria: Quest Diagnostics criteria. Collection method: clinical testing. Allele origin: germline.

GeneDx
Classification: Uncertain significance. Last evaluated: 2014-09-26. Review status: criteria provided, single submitter. Criteria: GeneDx Variant Classification (06012015). Collection method: clinical testing. Allele origin: germline. Affected: yes.
Comment: This variant is denoted BRIP1 c.2851A>G at the cDNA level, p.Ile951Val (I951V) at the protein level, and results in the change of an Isoleucine to a Valine (ATT>GTT). This variant has not, to our knowledge, been published in the literature as pathogenic or benign. BRIP1 Ile951Val was not observed in approximately 6,500 individuals of European and African American ancestry in the NHLBI Exome Sequencing Project, indicating it is not a common benign variant in these populations. Since Isoleucine and Valine share similar properties, this is considered a conservative amino acid substitution. BRIP1 Ile951Val occurs at a position that is poorly conserved across species with Valine being the naturally occurring residue in other mammals and is located in the region for interaction with BRCA1 (UniProt). In silico analyses predict that this variant is unlikely to alter protein structure or function. Based on currently available information, it is unclear whether BRIP1 Ile951Val is pathogenic or benign. We consider it to be a variant of uncertain significance.